The following is an entry in ClinVar:

ClinVar aggregate classification (germline): Uncertain significance (1 of 4 stars; one submission).

Conditions:
Emery-Dreifuss muscular dystrophy 4, autosomal dominant (EDMD4). Also called: EMERY-DREIFUSS MUSCULAR DYSTROPHY 4 WITH VARIABLE FEATURES. Identifiers: Orphanet 261, MedGen C2751807, MONDO:0013071, OMIM 612998.
Autosomal recessive ataxia, Beauce type. Also called: Spinocerebellar ataxia, autosomal recessive 8; ATAXIA, RECESSIVE, OF BEAUCE; SYNE1-Related Autosomal Recessive Cerebellar Ataxia; SYNE1 Deficiency. Identifiers: Orphanet 88644, MedGen C1853116, MONDO:0012549, OMIM 610743.

Allele frequency attached by ClinVar (database versions not stated): gnomAD exomes below 0.00001.
gnomAD v4.1: 2 of 1,613,984 alleles (0.00012%); highest among the groups gnomAD compares: Admixed American, 0.0033%; no homozygotes.

Submission:

Labcorp Genetics (formerly Invitae), Labcorp
Classification: Uncertain significance for Emery-Dreifuss muscular dystrophy 4, autosomal dominant; Autosomal recessive ataxia, Beauce type. Last evaluated: 2023-02-16. Review status: criteria provided, single submitter. Criteria: Invitae Variant Classification Sherloc (09022015). Collection method: clinical testing. Allele origin: germline.
Comment: An algorithm developed to predict the effect of missense changes on protein structure and function (PolyPhen-2) suggests that this variant is likely to be disruptive. This variant has not been reported in the literature in individuals affected with SYNE1-related conditions. This variant is present in population databases (no rsID available, gnomAD 0.006%). This sequence change replaces leucine, which is neutral and non-polar, with methionine, which is neutral and non-polar, at codon 523 of the SYNE1 protein (p.Leu523Met). In summary, the available evidence is currently insufficient to determine the role of this variant in disease. Therefore, it has been classified as a Variant of Uncertain Significance.

NM_182961.4(SYNE1):c.1546C>A (p.Leu516Met)

Gene: SYNE1 (spectrin repeat containing nuclear envelope protein 1; minus strand). Cytogenetic location: 6q25.2.
Variant type: single nucleotide variant.
Coding change: c.1546C>A on transcript NM_182961.4 (MANE Select); coding-DNA position 1546, C replaced by A.
Protein change: p.Leu516Met; replaces leucine 516 with methionine.
Molecular consequence: missense variant.
Genome position (GRCh38, 1-based): chr6:152,471,683, G>T on the plus strand (C>A on the coding strand, the complement: SYNE1 is on the minus strand). VCF-style: chr6-152471683-G-T. GRCh37 (hg19) VCF-style: chr6-152792818-G-T.
Other names: c.1567C>A, p.Leu523Met (NM_033071.5); short protein forms L523M, L516M.
Identifiers: ClinVar variation 2937374 (VCV002937374.3), dbSNP rs1367902492, ClinGen allele CA366133139.